The following is an entry in ClinVar:

ClinVar aggregate classification (germline): Pathogenic/Likely pathogenic. Review status: criteria provided, multiple submitters, no conflicts (2 of 4 stars). 3 submissions from 3 submitters: Pathogenic (2); Likely pathogenic (1). Last evaluated 2025-06-12.

Conditions:
Inborn genetic diseases. Identifiers: MedGen C0950123, MeSH D030342.
Hearing impairment. Also called: Impaired Hearing. Identifiers: MedGen C1384666, MONDO:0005365, HP:0000365.

Submissions (3):

Ambry Genetics
Classification: Pathogenic for Inborn genetic diseases. Last evaluated: 2025-06-12. Review status: criteria provided, single submitter. Criteria: Ambry Variant Classification Scheme 2023. Collection method: clinical testing. Allele origin: germline.
Comment: The c.3340dupG (p.A1114Gfs*5) alteration, located in exon 32 (coding exon 31) of the MYO6 gene, consists of a duplication of G at position 3340, causing a translational frameshift with a predicted alternate stop codon after 5 amino acids. This alteration is expected to result in loss of function by premature protein truncation or nonsense-mediated mRNA decay. This variant was not reported in population-based cohorts in the Genome Aggregation Database (gnomAD). This variant was reported as heterozygous in individual(s) with features consistent with MYO6-related deafness (Schrauwen, 2013). Based on the available evidence, this alteration is classified as pathogenic.

Labcorp Genetics (formerly Invitae), Labcorp
Classification: Pathogenic. Last evaluated: 2024-09-04. Review status: criteria provided, single submitter. Criteria: Invitae Variant Classification Sherloc (09022015). Collection method: clinical testing. Allele origin: germline.
Comment: This sequence change creates a premature translational stop signal (p.Ala1114Glyfs*5) in the MYO6 gene. It is expected to result in an absent or disrupted protein product. Loss-of-function variants in MYO6 are known to be pathogenic (PMID: 12687499, 18348273, 23767834, 25999546, 30582396). This variant is not present in population databases (gnomAD no frequency). This premature translational stop signal has been observed in individual(s) with hearing loss (PMID: 23208854). ClinVar contains an entry for this variant (Variation ID: 1801710). For these reasons, this variant has been classified as Pathogenic.

Human Genetics Bochum, Ruhr University Bochum
Classification: Likely pathogenic for Hearing impairment. Last evaluated: 2022-01-04. Review status: criteria provided, single submitter. Criteria: ACMG Guidelines, 2015. Collection method: clinical testing. Allele origin: germline. Affected: yes.
Comment: ACMG criteria used to clasify this variant: PVS1, PM2_SUP

Literature cited by the submitters: PubMed 23208854 (cited by Ambry Genetics and Labcorp Genetics (formerly Invitae), Labcorp); PubMed 12687499 (cited by Labcorp Genetics (formerly Invitae), Labcorp); PubMed 18348273 (cited by Labcorp Genetics (formerly Invitae), Labcorp); PubMed 23767834 (cited by Labcorp Genetics (formerly Invitae), Labcorp); PubMed 25999546 (cited by Labcorp Genetics (formerly Invitae), Labcorp); PubMed 30582396 (cited by Labcorp Genetics (formerly Invitae), Labcorp).

NM_004999.4(MYO6):c.3340dup (p.Ala1114fs)

Gene: MYO6 (myosin VI; plus strand). Cytogenetic location: 6q14.1.
Variant type: Duplication.
Coding change: c.3340dup on transcript NM_004999.4 (MANE Select); coding-DNA position 3340, one base duplicated (G; older notation c.3340dupG).
Protein change: p.Ala1114fs; shifts the reading frame from alanine 1114.
Molecular consequence: frameshift variant. On other transcripts: non-coding transcript variant (1).
Genome position (GRCh38, 1-based): chr6:75,908,555, G duplicated. VCF-style (leftmost placement, unchanged base first): chr6-75908554-T-TG. GRCh37 (hg19) VCF-style: chr6-76618271-T-TG.
Other names: c.3271dup, p.Ala1091fs (NM_001300899.2, NM_001368136.1); c.3328dup, p.Ala1110fs (NM_001368137.1); c.3256dup, p.Ala1086fs (NM_001368138.1); c.3367dup, p.Ala1123fs (NM_001368865.1, NM_001368866.1); c.3340dupG (NM_004999.3); short protein forms A1086fs, A1091fs, A1110fs, A1114fs, A1123fs.
Identifiers: ClinVar variation 1801710 (VCV001801710.4), dbSNP rs2535770717, ClinGen allele CA2580075839.